The following is an entry in ClinVar:

ClinVar aggregate classification (germline): Uncertain significance. Review status: criteria provided, multiple submitters, no conflicts (2 of 4 stars). 2 submissions from 2 submitters: Uncertain significance (2). Last evaluated 2024-04-02.

Conditions:
Dyskeratosis congenita, autosomal recessive 6 (DKCB6). Identifiers: MedGen C4225356, MONDO:0014600, OMIM 616353.
Pulmonary fibrosis and/or bone marrow failure, Telomere-related, 4. Also called: PULMONARY FIBROSIS AND/OR BONE MARROW FAILURE SYNDROME, TELOMERE-RELATED, 4. Identifiers: Orphanet 2032, MedGen C4225347, MONDO:0014612, OMIM 616371.

Allele frequency attached by ClinVar (database versions not stated): gnomAD exomes 0.00002; ExAC 0.00003; TOPMed 0.00004; gnomAD 0.00005; ESP Exome Variant Server 0.00025.
gnomAD v4.1: 48 of 1,605,276 alleles (0.003%); highest among the groups gnomAD compares: African/African-American, 0.011%; no homozygotes.

Submissions (2):

Labcorp Genetics (formerly Invitae), Labcorp
Classification: Uncertain significance for Dyskeratosis congenita, autosomal recessive 6; Pulmonary fibrosis and/or bone marrow failure, Telomere-related, 4. Last evaluated: 2024-04-02. Review status: criteria provided, single submitter. Criteria: Invitae Variant Classification Sherloc (09022015). Collection method: clinical testing. Allele origin: germline.
Comment: This sequence change replaces tyrosine, which is neutral and polar, with cysteine, which is neutral and slightly polar, at codon 552 of the PARN protein (p.Tyr552Cys). This variant is present in population databases (rs375813873, gnomAD 0.007%). This variant has not been reported in the literature in individuals affected with PARN-related conditions. ClinVar contains an entry for this variant (Variation ID: 1056996). Algorithms developed to predict the effect of missense changes on protein structure and function output the following: SIFT: "Not Available"; PolyPhen-2: "Benign"; Align-GVGD: "Not Available". The cysteine amino acid residue is found in multiple mammalian species, which suggests that this missense change does not adversely affect protein function. In summary, the available evidence is currently insufficient to determine the role of this variant in disease. Therefore, it has been classified as a Variant of Uncertain Significance.

Blueprint Genetics
Classification: Uncertain significance. Last evaluated: 2021-12-30. Review status: criteria provided, single submitter. Criteria: ACMG Guidelines, 2015. Collection method: clinical testing. Allele origin: germline.

NM_002582.4(PARN):c.1655A>G (p.Tyr552Cys)

Gene: PARN (poly(A)-specific ribonuclease; minus strand). Cytogenetic location: 16p13.12.
Variant type: single nucleotide variant.
Coding change: c.1655A>G on transcript NM_002582.4 (MANE Select); coding-DNA position 1655, A replaced by G.
Protein change: p.Tyr552Cys; replaces tyrosine 552 with cysteine.
Molecular consequence: missense variant.
Genome position (GRCh38, 1-based): chr16:14,482,653, T>C on the plus strand (A>G on the coding strand, the complement: PARN is on the minus strand). VCF-style: chr16-14482653-T-C. GRCh37 (hg19) VCF-style: chr16-14576510-T-C.
Other names: c.1472A>G, p.Tyr491Cys (NM_001134477.3); c.1517A>G, p.Tyr506Cys (NM_001242992.2); short protein forms Y491C, Y506C, Y552C.
Identifiers: ClinVar variation 1056996 (VCV001056996.10), dbSNP rs375813873, ClinGen allele CA7911974.